The following is an entry in ClinVar:

NM_002353.3(TACSTD2):c.588C>A (p.Tyr196Ter)

Gene: TACSTD2 (tumor associated calcium signal transducer 2; minus strand). Cytogenetic location: 1p32.1.
Variant type: single nucleotide variant.
Coding change: c.588C>A on transcript NM_002353.3 (MANE Select); coding-DNA position 588, C replaced by A.
Protein change: p.Tyr196Ter; replaces tyrosine 196 with a stop codon.
Molecular consequence: nonsense.
Genome position (GRCh38, 1-based): chr1:58,576,569, G>T on the plus strand (C>A on the coding strand, the complement: TACSTD2 is on the minus strand). VCF-style: chr1-58576569-G-T. GRCh37 (hg19) VCF-style: chr1-59042241-G-T.
Other names: short protein forms Y196*.
Identifiers: ClinVar variation 4082113 (VCV004082113.1).

ClinVar aggregate classification (germline): Pathogenic (1 of 4 stars; one submission).

Conditions:
Gelatinous droplike corneal dystrophy (GDLD). Also called: AMYLOID CORNEAL DYSTROPHY, JAPANESE TYPE. Identifiers: Orphanet 98957, MedGen C0339273, MONDO:0008777, OMIM 204870.

gnomAD v4.1: 2 of 1,611,776 alleles (0.00012%); highest among the groups gnomAD compares: African/African-American, 0.0013%; no homozygotes.

Submission:

Ningxia Clinical Research Institute, People's Hospital of Ningxia Hui Autonomous Region
Classification: Pathogenic for Gelatinous droplike corneal dystrophy. Last evaluated: 2025-08-22. Review status: criteria provided, single submitter. Criteria: ACMG Guidelines, 2015. Collection method: clinical testing. Allele origin: inherited. Inheritance: Autosomal recessive inheritance. Affected: yes. Observed: 1 homozygote.
Comment: The c.588C>A (p.Tyr196Ter) variant is a null allele that fulfils four ACMG criteria: PVS1 – nonsense variant in TACSTD2 where LOF is an established mechanism PM2 – absent from >150 k exomes/genomes (gnomAD v4, 1000G, ExAC_EAS) and 2 500 local controls PP1 – perfect segregation in the submitted family (affected child homozygous, parents heterozygous, two healthy siblings WT) PP4 – phenotype (Drop-Like corneal opacity < 20 y) is highly specific for GDLD Additional literature (Yajima 2002, Alehabib 2018, Tsujikawa 1999) describes multiple unrelated families with GDLD who are homozygous for TACSTD2 nonsense variants, while heterozygous relatives are unaffected (PS4/PM3). Collectively this evidence supports a PATHOGENIC classification.